The following is an entry in ClinVar:

ClinVar aggregate classification (germline): Uncertain significance (1 of 4 stars; one submission).

Conditions:
Hereditary cancer-predisposing syndrome. Also called: Neoplastic Syndromes, Hereditary; Tumor predisposition; Hereditary neoplastic syndrome; Hereditary Cancer Syndrome. Identifiers: Orphanet 140162, MedGen C0027672, MeSH D009386, MONDO:0015356.
Familial thoracic aortic aneurysm and aortic dissection (TAAD). Also called: Thoracic aortic aneurysms and dissections. Identifiers: Orphanet 91387, MedGen C4707243, MONDO:0019625.

Submission:

Ambry Genetics
Classification: Uncertain significance for Hereditary cancer-predisposing syndrome; Familial thoracic aortic aneurysm and aortic dissection. Last evaluated: 2023-08-30. Review status: criteria provided, single submitter. Criteria: Ambry Variant Classification Scheme 2023. Collection method: clinical testing. Allele origin: germline.
Comment: The p.T59I variant (also known as c.176C>T), located in coding exon 1 of the SMAD4 gene, results from a C to T substitution at nucleotide position 176. The threonine at codon 59 is replaced by isoleucine, an amino acid with similar properties. This amino acid position is conserved. In addition, the in silico prediction for this alteration is inconclusive. Since supporting evidence is limited at this time, the clinical significance of this alteration remains unclear.

NM_005359.6(SMAD4):c.176C>T (p.Thr59Ile)

Gene: SMAD4 (SMAD family member 4; plus strand). Cytogenetic location: 18q21.2.
Variant type: single nucleotide variant.
Coding change: c.176C>T on transcript NM_005359.6 (MANE Select); coding-DNA position 176, C replaced by T.
Protein change: p.Thr59Ile; replaces threonine 59 with isoleucine.
Molecular consequence: missense variant. On other transcripts: non-coding transcript variant (2).
Genome position (GRCh38, 1-based): chr18:51,047,222, C>T. VCF-style: chr18-51047222-C-T. GRCh37 (hg19) VCF-style: chr18-48573592-C-T.
Other names: c.176C>T, p.Thr59Ile (NM_001407041.1, NM_001407042.1, NM_001407043.1); short protein forms T59I.
Identifiers: ClinVar variation 3238404 (VCV003238404.1), dbSNP rs2144401444.
Genomic context (GRCh38, chr18:51,047,222, plus strand): 5'-CAATTGAAAGTTTGGTAAAGAAGCTGAAGGAGAAAAAAGATGAATTGGATTCTTTAATAA[C>T]AGCTATAACTACAAATGGAGCTCATCCTAGTAAATGTGTTACCATACAGAGAACATTGGA-3'
Protein context (NP_005350.1, residues 49-69): EKKDELDSLI[Thr59Ile]AITTNGAHPS